The following is an entry in ClinVar:

NM_006531.5(IFT88):c.1833+1G>C

Gene: IFT88 (intraflagellar transport 88; plus strand). Cytogenetic location: 13q12.11.
Variant type: single nucleotide variant.
Coding change: c.1833+1G>C on transcript NM_006531.5 (MANE Select); the canonical splice donor site of the intron after coding-DNA position 1833, G replaced by C.
Molecular consequence: splice donor variant.
Genome position (GRCh38, 1-based): chr13:20,643,606, G>C. VCF-style: chr13-20643606-G-C. GRCh37 (hg19) VCF-style: chr13-21217745-G-C.
Other names: c.1860+1G>C (NM_001318493.2, NM_175605.5, NM_001353566.2 and 2 more transcripts); c.1833+1G>C (NM_001353568.2, NM_001353572.2); c.1758+1G>C (NM_001353570.2, NM_001353576.2, NM_001353577.2 and 1 more transcripts); c.1731+1G>C (NM_001353571.2, NM_001353578.2); c.1200+1G>C (NM_001353579.2); c.1776+1G>C (NM_001353575.2, NM_001318491.2); c.1689+1G>C (NM_001353573.2); c.1674+1G>C (NM_001353574.2).
Identifiers: ClinVar variation 3005165 (VCV003005165.3), dbSNP rs2548570770, ClinGen allele CA387474643.

ClinVar aggregate classification (germline): Uncertain significance (1 of 4 stars; one submission).

Submission:

Labcorp Genetics (formerly Invitae), Labcorp
Classification: Uncertain significance. Last evaluated: 2023-09-20. Review status: criteria provided, single submitter. Criteria: Invitae Variant Classification Sherloc (09022015). Collection method: clinical testing. Allele origin: germline.
Comment: In summary, the available evidence is currently insufficient to determine the role of this variant in disease. Therefore, it has been classified as a Variant of Uncertain Significance. Algorithms developed to predict the effect of sequence changes on RNA splicing suggest that this variant may disrupt the consensus splice site. This variant has not been reported in the literature in individuals affected with IFT88-related conditions. This variant is not present in population databases (gnomAD no frequency). This sequence change affects a donor splice site in intron 21 of the IFT88 gene. It is expected to disrupt RNA splicing. Variants that disrupt the donor or acceptor splice site typically lead to a loss of protein function (PMID: 16199547), however the current clinical and genetic evidence is not sufficient to establish whether loss-of-function variants in IFT88 cause disease.

Literature cited by the submitters: PubMed 16199547.